The following is an entry in ClinVar:

NM_006736.6(DNAJB2):c.664G>A (p.Glu222Lys)

Gene: DNAJB2 (DnaJ heat shock protein family (Hsp40) member B2; plus strand). Cytogenetic location: 2q35.
Variant type: single nucleotide variant.
Coding change: c.664G>A on transcript NM_006736.6 (MANE Select); coding-DNA position 664, G replaced by A.
Protein change: p.Glu222Lys; replaces glutamic acid 222 with lysine.
Molecular consequence: missense variant.
Genome position (GRCh38, 1-based): chr2:219,284,676, G>A. VCF-style: chr2-219284676-G-A. GRCh37 (hg19) VCF-style: chr2-220149398-G-A.
Other names: c.664G>A, p.Glu222Lys (NM_001039550.2); short protein forms E222K.
Identifiers: ClinVar variation 246601 (VCV000246601.10), dbSNP rs201861589, ClinGen allele CA10584186.

ClinVar aggregate classification (germline): Uncertain significance. Review status: criteria provided, multiple submitters, no conflicts (2 of 4 stars). 2 submissions from 2 submitters: Uncertain significance (2). Last evaluated 2018-03-09.

Conditions:
Neuronopathy, distal hereditary motor, autosomal recessive 5. Also called: Young adult-onset distal hereditary motor neuropathy; NEUROPATHY, DISTAL HEREDITARY MOTOR, AUTOSOMAL RECESSIVE 5; Spinal muscular atrophy, distal, autosomal recessive, 5. Identifiers: Orphanet 314485, Orphanet 443950, MedGen C4749918, MONDO:0013947, OMIM 614881.

Allele frequency attached by ClinVar (database versions not stated): gnomAD 0.00001 and 0.00002; gnomAD exomes 0.00002; TOPMed 0.00002; 1000 Genomes Project 0.00020; 1000 Genomes Project 30x 0.00031.

Submissions (2):

Labcorp Genetics (formerly Invitae), Labcorp
Classification: Uncertain significance for Neuronopathy, distal hereditary motor, autosomal recessive 5. Last evaluated: 2018-03-09. Review status: criteria provided, single submitter. Criteria: Invitae Variant Classification Sherloc (09022015). Collection method: clinical testing. Allele origin: germline.
Comment: In summary, the available evidence is currently insufficient to determine the role of this variant in disease. Therefore, it has been classified as a Variant of Uncertain Significance. Algorithms developed to predict the effect of missense changes on protein structure and function do not agree on the potential impact of this missense change (SIFT: "Deleterious"; PolyPhen-2: "Possibly Damaging"; Align-GVGD: "Class C0"). This variant has not been reported in the literature in individuals with DNAJB2-related disease. ClinVar contains an entry for this variant (Variation ID: 246601). This variant is not present in population databases (ExAC no frequency). This sequence change replaces glutamic acid with lysine at codon 222 of the DNAJB2 protein (p.Glu222Lys). The glutamic acid residue is moderately conserved and there is a small physicochemical difference between glutamic acid and lysine.

GeneDx
Classification: Uncertain significance. Last evaluated: 2016-06-14. Review status: criteria provided, single submitter. Criteria: GeneDx Variant Classification (06012015). Collection method: clinical testing. Allele origin: germline. Affected: yes.
Comment: The E222K variant has not been published as a pathogenic variant, nor has it been reported as a benign variant to our knowledge. It was not observed in approximately 6,500 individuals of European and African American ancestry in the NHLBI Exome Sequencing Project and was not observed with any significant frequency in the 1000 Genomes Project. The E222K variant is a non-conservative amino acid substitution, which is likely to impact secondary protein structure as these residues differ in polarity, charge, size, and/or other properties. This substitution occurs at a position where amino acids with similar properties to Glutamic acid are tolerated across species. In silico analysis is inconsistent in its predictions as to whether or not the variant is damaging to the protein structure/function. Based on the currently available information, it is unclear whether this variant is a pathogenic variant or a rare benign variant.